The following is an entry in ClinVar:

ClinVar aggregate classification (germline): Uncertain significance. Review status: criteria provided, multiple submitters, no conflicts (2 of 4 stars). 2 submissions from 2 submitters: Uncertain significance (2). Last evaluated 2025-01-29.

Conditions:
Multiple endocrine neoplasia type 4. Also called: MULTIPLE ENDOCRINE NEOPLASIA, TYPE IV. Identifiers: Orphanet 276152, MedGen C1970712, MONDO:0012552, OMIM 610755.
Hereditary cancer-predisposing syndrome. Also called: Hereditary Cancer Syndrome; Neoplastic Syndromes, Hereditary; Hereditary neoplastic syndrome; Tumor predisposition. Identifiers: Orphanet 140162, MedGen C0027672, MeSH D009386, MONDO:0015356.

Allele frequency attached by ClinVar (database versions not stated): gnomAD exomes below 0.00001 and 0.00001; gnomAD 0.00001.
gnomAD v4.1: 5 of 1,614,106 alleles (0.00031%); highest among the groups gnomAD compares: Non-Finnish European, 0.00034%; no homozygotes.

Submissions (2):

Ambry Genetics
Classification: Uncertain significance for Hereditary cancer-predisposing syndrome. Last evaluated: 2025-01-29. Review status: criteria provided, single submitter. Criteria: Ambry Variant Classification Scheme 2023. Collection method: clinical testing. Allele origin: germline.
Comment: The p.K81N variant (also known as c.243G>C), located in coding exon 1 of the CDKN1B gene, results from a G to C substitution at nucleotide position 243. The lysine at codon 81 is replaced by asparagine, an amino acid with similar properties. This amino acid position is not well conserved in available vertebrate species. In addition, this alteration is predicted to be tolerated by in silico analysis. Since supporting evidence is limited at this time, the clinical significance of this alteration remains unclear.

Labcorp Genetics (formerly Invitae), Labcorp
Classification: Uncertain significance for Multiple endocrine neoplasia type 4. Last evaluated: 2023-12-27. Review status: criteria provided, single submitter. Criteria: Invitae Variant Classification Sherloc (09022015). Collection method: clinical testing. Allele origin: germline.
Comment: This sequence change replaces lysine, which is basic and polar, with asparagine, which is neutral and polar, at codon 81 of the CDKN1B protein (p.Lys81Asn). This variant is present in population databases (no rsID available, gnomAD 0.002%). This variant has not been reported in the literature in individuals affected with CDKN1B-related conditions. ClinVar contains an entry for this variant (Variation ID: 821279). An algorithm developed to predict the effect of missense changes on protein structure and function (PolyPhen-2) suggests that this variant is likely to be tolerated. In summary, the available evidence is currently insufficient to determine the role of this variant in disease. Therefore, it has been classified as a Variant of Uncertain Significance.

NM_004064.5(CDKN1B):c.243G>C (p.Lys81Asn)

Gene: CDKN1B (cyclin dependent kinase inhibitor 1B; plus strand). Cytogenetic location: 12p13.1.
Variant type: single nucleotide variant.
Coding change: c.243G>C on transcript NM_004064.5 (MANE Select); coding-DNA position 243, G replaced by C.
Protein change: p.Lys81Asn; replaces lysine 81 with asparagine.
Molecular consequence: missense variant.
Genome position (GRCh38, 1-based): chr12:12,718,082, G>C. VCF-style: chr12-12718082-G-C. GRCh37 (hg19) VCF-style: chr12-12871016-G-C.
Other names: short protein forms K81N.
Identifiers: ClinVar variation 821279 (VCV000821279.13), dbSNP rs1158716077, ClinGen allele CA383969760.